The following is an entry in ClinVar:

NM_001375524.1(TRRAP):c.9795C>G (p.Ile3265Met)

Gene: TRRAP (transformation/transcription domain associated protein; plus strand). Cytogenetic location: 7q22.1.
Variant type: single nucleotide variant.
Coding change: c.9795C>G on transcript NM_001375524.1 (MANE Select); coding-DNA position 9795, C replaced by G.
Protein change: p.Ile3265Met; replaces isoleucine 3265 with methionine.
Molecular consequence: missense variant.
Genome position (GRCh38, 1-based): chr7:98,992,175, C>G. VCF-style: chr7-98992175-C-G. GRCh37 (hg19) VCF-style: chr7-98589798-C-G.
Other names: c.9807C>G, p.Ile3269Met (NM_001244580.2); c.9720C>G, p.Ile3240Met (NM_003496.4); short protein forms I3240M, I3265M, I3269M.
Identifiers: ClinVar variation 4056031 (VCV004056031.1).

ClinVar aggregate classification (germline): Uncertain significance (1 of 4 stars; one submission).

Submission:

GeneDx
Classification: Uncertain significance. Last evaluated: 2025-01-06. Review status: criteria provided, single submitter. Criteria: GeneDx Variant Classification Process June 2021. Collection method: clinical testing. Allele origin: germline. Affected: yes.
Comment: Not observed at significant frequency in large population cohorts (gnomAD); In silico analysis indicates that this missense variant does not alter protein structure/function; Has not been previously published as pathogenic or benign to our knowledge